The following is an entry in ClinVar:

NM_001846.4(COL4A2):c.1483C>A (p.Leu495Ile)

Genes: COL4A2 (collagen type IV alpha 2 chain; plus strand), COL4A2-AS2 (COL4A2 antisense RNA 2; minus strand). Cytogenetic location: 13q34.
Variant type: single nucleotide variant.
Coding change: c.1483C>A on transcript NM_001846.4 (MANE Select); coding-DNA position 1483, C replaced by A.
Protein change: p.Leu495Ile; replaces leucine 495 with isoleucine.
Molecular consequence: missense variant.
Genome position (GRCh38, 1-based): chr13:110,458,821, C>A. VCF-style: chr13-110458821-C-A. GRCh37 (hg19) VCF-style: chr13-111111168-C-A.
Other names: short protein forms L495I.
Identifiers: ClinVar variation 1315957 (VCV001315957.2), dbSNP rs2139493545, ClinGen allele CA388736400.

ClinVar aggregate classification (germline): Uncertain significance (1 of 4 stars; one submission).

Submission:

GeneDx
Classification: Uncertain significance. Last evaluated: 2019-11-19. Review status: criteria provided, single submitter. Criteria: GeneDx Variant Classification Process June 2021. Collection method: clinical testing. Allele origin: germline. Affected: yes.
Comment: Not observed in large population cohorts (Lek et al., 2016); In silico analysis, which includes splice predictors and evolutionary conservation, supports a deleterious effect; Has not been previously published as pathogenic or benign to our knowledge